The following is an entry in ClinVar:

NM_002618.4(PEX13):c.320G>A (p.Arg107His)

Gene: PEX13 (peroxisomal biogenesis factor 13; plus strand). Cytogenetic location: 2p15.
Variant type: single nucleotide variant.
Coding change: c.320G>A on transcript NM_002618.4 (MANE Select); coding-DNA position 320, G replaced by A.
Protein change: p.Arg107His; replaces arginine 107 with histidine.
Molecular consequence: missense variant.
Genome position (GRCh38, 1-based): chr2:61,031,646, G>A. VCF-style: chr2-61031646-G-A. GRCh37 (hg19) VCF-style: chr2-61258781-G-A.
Other names: c.320G>A (NM_002618.3); short protein forms R107H.
Identifiers: ClinVar variation 1520369 (VCV001520369.5), dbSNP rs766710343, ClinGen allele CA1673276.
Genomic context (GRCh38, chr2:61,031,646, plus strand): 5'-ATTCATTTTATGGAGGCTATAGTCCTTATAGTTATGGATATAATGGGCTGGGCTACAACC[G>A]CCTCCGTGTAGATGATCTTCCACCCAGTAGATTTGTTCAGCAAGCTGAAGAAAGCAGCAG-3'
Protein context (NP_002609.1, residues 97-117): SYGYNGLGYN[Arg107His]LRVDDLPPSR

ClinVar aggregate classification (germline): Uncertain significance. Review status: criteria provided, multiple submitters, no conflicts (2 of 4 stars). 3 submissions from 3 submitters: Uncertain significance (3). Last evaluated 2023-12-20.

Conditions:
Peroxisome biogenesis disorder 11A (Zellweger). Also called: Peroxisome biogenesis disorder 11A. Identifiers: Orphanet 912, MedGen C3554000, MONDO:0013949, OMIM 614883.
Inborn genetic diseases. Identifiers: MedGen C0950123, MeSH D030342.

Allele frequency attached by ClinVar (database versions not stated): gnomAD 0.00001 and 0.00002; gnomAD exomes 0.00002 and 0.00011; TOPMed 0.00003; ExAC 0.00008.
gnomAD v4.1: 36 of 1,613,972 alleles (0.0022%); highest among the groups gnomAD compares: Admixed American, 0.038%; no homozygotes.

Submissions (3):

Ambry Genetics
Classification: Uncertain significance for Inborn genetic diseases. Last evaluated: 2023-12-20. Review status: criteria provided, single submitter. Criteria: Ambry Variant Classification Scheme 2023. Collection method: clinical testing. Allele origin: germline.

Labcorp Genetics (formerly Invitae), Labcorp
Classification: Uncertain significance for Peroxisome biogenesis disorder 11A (Zellweger). Last evaluated: 2022-10-05. Review status: criteria provided, single submitter. Criteria: Invitae Variant Classification Sherloc (09022015). Collection method: clinical testing. Allele origin: germline.
Comment: This sequence change replaces arginine, which is basic and polar, with histidine, which is basic and polar, at codon 107 of the PEX13 protein (p.Arg107His). This variant is present in population databases (rs766710343, gnomAD 0.04%). This variant has not been reported in the literature in individuals affected with PEX13-related conditions. ClinVar contains an entry for this variant (Variation ID: 1520369). Advanced modeling of protein sequence and biophysical properties (such as structural, functional, and spatial information, amino acid conservation, physicochemical variation, residue mobility, and thermodynamic stability) performed at Invitae indicates that this missense variant is not expected to disrupt PEX13 protein function. In summary, the available evidence is currently insufficient to determine the role of this variant in disease. Therefore, it has been classified as a Variant of Uncertain Significance.

Breakthrough Genomics
Classification: Uncertain significance. Review status: criteria provided, single submitter. Criteria: ACMG Guidelines, 2015. Collection method: not provided. Allele origin: germline. Inheritance: Autosomal recessive inheritance. Affected: yes.